The following is an entry in ClinVar:

NM_000181.4(GUSB):c.107G>T (p.Arg36Leu)

Gene: GUSB (glucuronidase beta; minus strand). Cytogenetic location: 7q11.21.
Variant type: single nucleotide variant.
Coding change: c.107G>T on transcript NM_000181.4 (MANE Select); coding-DNA position 107, G replaced by T.
Protein change: p.Arg36Leu; replaces arginine 36 with leucine.
Molecular consequence: missense variant. On other transcripts: 5 prime UTR variant (2), non-coding transcript variant (1).
Genome position (GRCh38, 1-based): chr7:65,982,077, C>A on the plus strand (G>T on the coding strand, the complement: GUSB is on the minus strand). VCF-style: chr7-65982077-C-A. GRCh37 (hg19) VCF-style: chr7-65447064-C-A.
Other names: c.107G>T, p.Arg36Leu (NM_001284290.2); c.-279G>T (NM_001293104.2); c.-223G>T (NM_001293105.2); short protein forms R36L.
Identifiers: ClinVar variation 694267 (VCV000694267.3), dbSNP rs1264172545, ClinGen allele CA367655188.

ClinVar aggregate classification (germline): Likely pathogenic (0 of 4 stars; one submission).

Conditions:
Mucopolysaccharidosis type 7 (MPS7). Also called: BETA-GLUCURONIDASE DEFICIENCY; SLY SYNDROME; MPS VII; GUSB DEFICIENCY. Identifiers: Orphanet 584, MedGen C0085132, MONDO:0009662, OMIM 253220.

gnomAD v4.1: 1 of 1,607,852 alleles (0.000062%); highest among the groups gnomAD compares: South Asian, 0.0011%; no homozygotes.

Submission:

Laboratorio de Genética Hospitales Universitarios Virgen de las Nieves y Clínico San Cecilio (Granada, Spain), Hospitales Universitarios Virgen de las Nieves y Clínico San Cecilio (Granada, Spain)
Classification: Likely pathogenic for Mucopolysaccharidosis type 7. Last evaluated: 2019-07-10. Review status: no assertion criteria provided. Collection method: clinical testing. Allele origin: germline. Inheritance: Autosomal recessive inheritance. Affected: yes. Observed: 1 homozygote.
Comment: A study of beta glucuronidase activity in amniotic fluid and in fetal blood lymphocytes is performed, resulting in no detection of beta glucuronidase activity in the two samples. The variant is not found in GnomAD exomes dayabases and in GnomAD genomes databases either. In silico analysis shows a Pathogenic computational verdict because 9 were pathogenic predictions from DEOGEN2, EIGEN, FATHMM-MKL, M-CAP, MVP, MutationAssessor, MutationTaster, REVEL and SIFT versus 1 benign prediction from PrimateAI.